The following is an entry in ClinVar:

ClinVar aggregate classification (germline): Uncertain significance. Review status: criteria provided, multiple submitters, no conflicts (2 of 4 stars). 2 submissions from 2 submitters: Uncertain significance (2). Last evaluated 2025-09-19.

Allele frequency attached by ClinVar (database versions not stated): gnomAD exomes 0.00001 and 0.00002; TOPMed 0.00008; gnomAD 0.00011 and 0.00010; ExAC 0.00002.
gnomAD v4.1: 30 of 1,614,028 alleles (0.0019%); highest among the groups gnomAD compares: African/African-American, 0.036%; no homozygotes.

Submissions (2):

Labcorp Genetics (formerly Invitae), Labcorp
Classification: Uncertain significance. Last evaluated: 2025-09-19. Review status: criteria provided, single submitter. Criteria: Invitae Variant Classification Sherloc (09022015). Collection method: clinical testing. Allele origin: germline.
Comment: This sequence change replaces leucine, which is neutral and non-polar, with arginine, which is basic and polar, at codon 844 of the TRIOBP protein (p.Leu844Arg). This variant is present in population databases (rs759230519, gnomAD 0.03%). This variant has not been reported in the literature in individuals affected with TRIOBP-related conditions. ClinVar contains an entry for this variant (Variation ID: 1313150). An algorithm developed to predict the effect of missense changes on protein structure and function (PolyPhen-2) suggests that this variant is likely to be disruptive. In summary, the available evidence is currently insufficient to determine the role of this variant in disease. Therefore, it has been classified as a Variant of Uncertain Significance.

GeneDx
Classification: Uncertain significance. Last evaluated: 2020-08-12. Review status: criteria provided, single submitter. Criteria: GeneDx Variant Classification Process June 2021. Collection method: clinical testing. Allele origin: germline. Affected: yes.
Comment: In silico analysis supports that this missense variant does not alter protein structure/function; Has not been previously published as pathogenic or benign to our knowledge

NM_001039141.3(TRIOBP):c.2531T>G (p.Leu844Arg)

Gene: TRIOBP (TRIO and F-actin binding protein; plus strand). Cytogenetic location: 22q13.1.
Variant type: single nucleotide variant.
Coding change: c.2531T>G on transcript NM_001039141.3 (MANE Select); coding-DNA position 2531, T replaced by G.
Protein change: p.Leu844Arg; replaces leucine 844 with arginine.
Molecular consequence: missense variant.
Genome position (GRCh38, 1-based): chr22:37,725,087, T>G. VCF-style: chr22-37725087-T-G. GRCh37 (hg19) VCF-style: chr22-38121094-T-G.
Other names: short protein forms L844R.
Identifiers: ClinVar variation 1313150 (VCV001313150.5), dbSNP rs759230519, ClinGen allele CA10223897.